The following is an entry in ClinVar:

NM_033026.6(PCLO):c.14017G>A (p.Val4673Met)

Gene: PCLO (piccolo presynaptic cytomatrix protein; minus strand). Cytogenetic location: 7q21.11.
Variant type: single nucleotide variant.
Coding change: c.14017G>A on transcript NM_033026.6 (MANE Select); coding-DNA position 14017, G replaced by A.
Protein change: p.Val4673Met; replaces valine 4673 with methionine.
Molecular consequence: missense variant.
Genome position (GRCh38, 1-based): chr7:82,845,300, C>T on the plus strand (G>A on the coding strand, the complement: PCLO is on the minus strand). VCF-style: chr7-82845300-C-T. GRCh37 (hg19) VCF-style: chr7-82474616-C-T.
Other names: c.14017G>A, p.Val4673Met (NM_014510.3); short protein forms V4673M.
Identifiers: ClinVar variation 768167 (VCV000768167.14), dbSNP rs143064860, ClinGen allele CA4318971.
Genomic context (GRCh38, chr7:82,845,300, plus strand): 5'-GTGGGTCAGAGGTCACATCAACAATCCTCACCTTGCTGCTGCCGTGCTTCTTTTTGCTCA[C>T]TGAGGGGGACCCTGGTTGCCCAGGGCTGGGAACGGAACTGGATCCTGCTGATGTAGGACC-3'
Protein context (NP_149015.2, residues 4663-4683): PSPGQPGSPS[Val4673Met]SKKKHGSSKP

ClinVar aggregate classification (germline): Conflicting classifications of pathogenicity. Review status: criteria provided, conflicting classifications (1 of 4 stars). 3 submissions from 3 submitters: Uncertain significance (1); Likely benign (1). 1 of the submissions does not count toward it. Last evaluated 2026-01-19.

Conditions:
PCLO-related disorder. Also called: PCLO-related condition.
Inborn genetic diseases. Identifiers: MedGen C0950123, MeSH D030342.

Allele frequency attached by ClinVar (database versions not stated): 1000 Genomes Project 0.00120; TOPMed 0.00174; gnomAD exomes 0.00027 and 0.00044; 1000 Genomes Project 30x 0.00125; gnomAD 0.00151 and 0.00161; ExAC 0.00048; ESP Exome Variant Server 0.00137.
gnomAD v4.1: 629 of 1,613,418 alleles (0.039%); highest among the groups gnomAD compares: African/African-American, 0.53%; 1 homozygote.

Submissions (3):

Labcorp Genetics (formerly Invitae), Labcorp
Classification: Likely benign. Last evaluated: 2026-01-19. Review status: criteria provided, single submitter. Criteria: Invitae Variant Classification Sherloc (09022015). Collection method: clinical testing. Allele origin: germline.

Ambry Genetics
Classification: Uncertain significance for Inborn genetic diseases. Last evaluated: 2021-10-29. Review status: criteria provided, single submitter. Criteria: Ambry Variant Classification Scheme 2023. Collection method: clinical testing. Allele origin: germline.

PreventionGenetics, part of Exact Sciences
Classification: Likely benign for PCLO-related condition. Last evaluated: 2020-03-17. Review status: no assertion criteria provided. Collection method: clinical testing. Allele origin: germline. Not counted in ClinVar's aggregate classification.
Comment: This variant is classified as likely benign based on ACMG/AMP sequence variant interpretation guidelines (Richards et al. 2015 PMID: 25741868, with internal and published modifications).